The following is an entry in ClinVar:

ClinVar aggregate classification (germline): Uncertain significance (1 of 4 stars; one submission).

Conditions:
Hypertrophic cardiomyopathy. Also called: HYPERTROPHIC MYOCARDIOPATHY. Identifiers: Orphanet 217569, MedGen C0007194, MeSH D002312, MONDO:0005045, HP:0001639.

Submission:

Labcorp Genetics (formerly Invitae), Labcorp
Classification: Uncertain significance for Hypertrophic cardiomyopathy. Last evaluated: 2025-08-10. Review status: criteria provided, single submitter. Criteria: Invitae Variant Classification Sherloc (09022015). Collection method: clinical testing. Allele origin: germline.
Comment: This sequence change replaces leucine, which is neutral and non-polar, with phenylalanine, which is neutral and non-polar, at codon 278 of the TPM1 protein (p.Leu278Phe). This variant is not present in population databases (gnomAD no frequency). This missense change has been observed in individual(s) with hypertrophic cardiomyopathy (PMID: 30297972). ClinVar contains an entry for this variant (Variation ID: 2892831). An algorithm developed to predict the effect of missense changes on protein structure and function (PolyPhen-2) suggests that this variant is likely to be disruptive. In summary, the available evidence is currently insufficient to determine the role of this variant in disease. Therefore, it has been classified as a Variant of Uncertain Significance.

Literature cited by the submitters: PubMed 30297972.

NM_001018005.2(TPM1):c.832C>T (p.Leu278Phe)

Gene: TPM1 (tropomyosin 1; plus strand). Cytogenetic location: 15q22.2.
Variant type: single nucleotide variant.
Coding change: c.832C>T on transcript NM_001018005.2 (MANE Select); coding-DNA position 832, C replaced by T.
Protein change: p.Leu278Phe; replaces leucine 278 with phenylalanine.
Molecular consequence: missense variant. On other transcripts: intron variant (12).
Genome position (GRCh38, 1-based): chr15:63,064,123, C>T. VCF-style: chr15-63064123-C-T. GRCh37 (hg19) VCF-style: chr15-63356322-C-T.
Other names: c.832C>T, p.Leu278Phe (NM_000366.6, NM_001301244.2, NM_001365779.1); c.724C>T, p.Leu242Phe (NM_001330346.2, NM_001365781.2, NM_001365782.1); c.898+1478C>T (NM_001365778.1); c.772+1478C>T (NM_001018020.2, NM_001018007.2, NM_001018006.2 and 3 more transcripts); c.664+1478C>T (NM_001330351.2, NM_001330344.2, NM_001018008.2 and 2 more transcripts); short protein forms L278F, L242F.
Identifiers: ClinVar variation 2892831 (VCV002892831.3), dbSNP rs730881161, ClinGen allele CA018507.